The following is an entry in ClinVar:

NM_006828.4(ASCC3):c.6090A>C (p.Leu2030Phe)

Gene: ASCC3 (activating signal cointegrator 1 complex subunit 3; minus strand). Cytogenetic location: 6q16.3.
Variant type: single nucleotide variant.
Coding change: c.6090A>C on transcript NM_006828.4 (MANE Select); coding-DNA position 6090, A replaced by C.
Protein change: p.Leu2030Phe; replaces leucine 2030 with phenylalanine.
Molecular consequence: missense variant.
Genome position (GRCh38, 1-based): chr6:100,512,904, T>G on the plus strand (A>C on the coding strand, the complement: ASCC3 is on the minus strand). VCF-style: chr6-100512904-T-G. GRCh37 (hg19) VCF-style: chr6-100960780-T-G.
Other names: c.6090A>C (NM_006828.3); short protein forms L2030F.
Identifiers: ClinVar variation 382492 (VCV000382492.3), dbSNP rs763683817, ClinGen allele CA3937559.

ClinVar aggregate classification (germline): Uncertain significance. Review status: criteria provided, multiple submitters, no conflicts (2 of 4 stars). 2 submissions from 2 submitters: Uncertain significance (2). Last evaluated 2026-09-14.

Conditions:
ASCC3-related condition.

Allele frequency attached by ClinVar (database versions not stated): gnomAD exomes 0.00003.
gnomAD v4.1: 23 of 1,613,704 alleles (0.0014%); highest among the groups gnomAD compares: South Asian, 0.024%; 1 homozygote.

Submissions (2):

PreventionGenetics, part of Exact Sciences
Classification: Uncertain significance for ASCC3-related condition. Last evaluated: 2026-09-14. Review status: criteria provided, single submitter. Criteria: ACMG Guidelines, 2015. Collection method: clinical testing. Allele origin: germline.
Comment: The ASCC3 c.6090A>C variant is predicted to result in the amino acid substitution p.Leu2030Phe. To our knowledge, this variant has not been reported in the literature. This variant is reported in 0.026% of alleles in individuals of South Asian descent in gnomAD. At this time, the clinical significance of this variant is uncertain due to the absence of conclusive functional and genetic evidence.

GeneDx
Classification: Uncertain significance. Last evaluated: 2018-08-07. Review status: criteria provided, single submitter. Criteria: GeneDx Variant Classification (06012015). Collection method: clinical testing. Allele origin: germline. Affected: yes.
Comment: The L2030F variant in the ASCC3 gene has not been reported previously as a pathogenic variant, nor as a benign variant, to our knowledge. The L2030F variant was not observed in approximately 6,500 individuals of European and African American ancestry in the NHLBI Exome Sequencing Project, indicating it is not a common benign variant in these populations. The L2030F variant is a conservative amino acid substitution, which is not likely to impact secondary protein structure as these residues share similar properties. This substitution occurs at a position where amino acids with similar properties to Leucine are tolerated across species. In silico analysis is inconsistent in its predictions as to whether or not the variant is damaging to the protein structure/function. As an alternate mechanism, splice predictor models suggest that L2030F may enhance the cryptic splicing acceptor site in exon 40, which may result in abnormal gene splicing. We interpret L2030F as a variant of uncertain significance.